The following is an entry in ClinVar:

ClinVar aggregate classification (germline): Pathogenic (1 of 4 stars; one submission).

Conditions:
Axenfeld-Rieger syndrome type 3 (RIEG3). Also called: AXENFELD-RIEGER ANOMALY WITH CARDIAC DEFECTS AND/OR SENSORINEURAL HEARING LOSS. Identifiers: Orphanet 782, MedGen C2678503, MONDO:0011233, OMIM 602482.

Submission:

Geisinger Autism and Developmental Medicine Institute, Geisinger Health System
Classification: Pathogenic for Axenfeld-Rieger syndrome type 3. Last evaluated: 2018-04-16. Review status: criteria provided, single submitter. Criteria: ACMG CNV Guidelines, 2011. Collection method: provider interpretation. Allele origin: de novo. Affected: yes.

Literature cited by the submitters: PubMed 11170889.

Single allele

Genes: COL18A1 (collagen type XVIII alpha 1 chain; plus strand), COL6A1 (collagen type VI alpha 1 chain; plus strand), COL6A2 (collagen type VI alpha 2 chain; plus strand), S100B (S100 calcium binding protein B; minus strand), ADARB1 (adenosine deaminase RNA specific B1; plus strand) and 16 more. Cytogenetic location: 21q22.3.
Variant type: Deletion.
Identifiers: ClinVar variation 560066 (VCV000560066.3).